The following is an entry in ClinVar:

ClinVar aggregate classification (germline): Uncertain significance (1 of 4 stars; one submission).

Conditions:
Developmental and epileptic encephalopathy, 12 (DEE12). Identifiers: MedGen C3150988, MONDO:0013389, OMIM 613722.

Allele frequency attached by ClinVar (database versions not stated): gnomAD 0.00002; TOPMed 0.00002; 1000 Genomes Project 30x 0.00016.
gnomAD v4.1: 12 of 1,613,892 alleles (0.00074%); highest among the groups gnomAD compares: Admixed American, 0.0017%; no homozygotes.

Submission:

Labcorp Genetics (formerly Invitae), Labcorp
Classification: Uncertain significance for Developmental and epileptic encephalopathy, 12. Last evaluated: 2018-08-29. Review status: criteria provided, single submitter. Criteria: Invitae Variant Classification Sherloc (09022015). Collection method: clinical testing. Allele origin: germline.
Comment: This sequence change replaces valine with methionine at codon 1165 of the PLCB1 protein (p.Val1165Met). The valine residue is moderately conserved and there is a small physicochemical difference between valine and methionine. This variant is present in population databases (rs772786871, ExAC 0.02%). This variant has not been reported in the literature in individuals with PLCB1-related disease. Algorithms developed to predict the effect of missense changes on protein structure and function are either unavailable or do not agree on the potential impact of this missense change (SIFT: "Tolerated"; PolyPhen-2: "Possibly Damaging"; Align-GVGD: "Class C0"). In summary, the available evidence is currently insufficient to determine the role of this variant in disease. Therefore, it has been classified as a Variant of Uncertain Significance.

NM_015192.4(PLCB1):c.3493G>A (p.Val1165Met)

Gene: PLCB1 (phospholipase C beta 1; plus strand). Cytogenetic location: 20p12.3.
Variant type: single nucleotide variant.
Coding change: c.3493G>A on transcript NM_015192.4 (MANE Select); coding-DNA position 3493, G replaced by A.
Protein change: p.Val1165Met; replaces valine 1165 with methionine.
Molecular consequence: missense variant. On other transcripts: 3 prime UTR variant (1).
Genome position (GRCh38, 1-based): chr20:8,881,691, G>A. VCF-style: chr20-8881691-G-A. GRCh37 (hg19) VCF-style: chr20-8862338-G-A.
Other names: c.*89G>A (NM_182734.3); short protein forms V1165M.
Identifiers: ClinVar variation 662482 (VCV000662482.7), dbSNP rs772786871, ClinGen allele CA9760633.